The following is an entry in ClinVar:

ClinVar aggregate classification (germline): Pathogenic (1 of 4 stars; one submission).

Submission:

Labcorp Genetics (formerly Invitae), Labcorp
Classification: Pathogenic. Last evaluated: 2023-10-17. Review status: criteria provided, single submitter. Criteria: Invitae Variant Classification Sherloc (09022015). Collection method: clinical testing. Allele origin: unknown.
Comment: This variant is a gross deletion of the genomic region encompassing exon(s) 5-6 of the DNASE1L3 gene. This deletion is out-of-frame, and is expected to create a premature termination codon and result in an absent or disrupted protein product. Loss-of-function variants in DNASE1L3 are known to be pathogenic (PMID: 24206041, 27821515). This variant has not been reported in the literature in individuals affected with DNASE1L3-related conditions. For these reasons, this variant has been classified as Pathogenic.

Literature cited by the submitters: PubMed 24206041; PubMed 27821515.

NC_000003.11:g.(?_58183528)_(58186856_?)del

Gene: DNASE1L3 (deoxyribonuclease 1L3; minus strand). Cytogenetic location: 3p14.3.
Variant type: Deletion.
Identifiers: ClinVar variation 3247000 (VCV003247000.1).